The following is an entry in ClinVar:

ClinVar aggregate classification (germline): Uncertain significance. Review status: criteria provided, multiple submitters, no conflicts (2 of 4 stars). 8 submissions from 8 submitters: Uncertain significance (8). Last evaluated 2026-06-01.

Conditions:
Multiple endocrine neoplasia type 2A. Also called: MULTIPLE ENDOCRINE NEOPLASIA, TYPE IIA; PTC SYNDROME; SIPPLE SYNDROME; MEN 2A; MEN-2A syndrome; Pheochromocytoma and amyloid producing medullary thyroid carcinoma. Identifiers: Orphanet 247698, Orphanet 653, MedGen C0025268, MeSH D018813, MONDO:0008234, OMIM 171400.
Hirschsprung disease, susceptibility to, 1 (HSCR1). Also called: RET-Related Hirschsprung Disease. Identifiers: Orphanet 388, MedGen C3888239, MONDO:0007723, OMIM 142623.
RET-related disorder. Also called: RET-related condition; RET-related disease; RET-related disorders.
Hereditary cancer-predisposing syndrome. Also called: Neoplastic Syndromes, Hereditary; Hereditary neoplastic syndrome; Tumor predisposition; Hereditary Cancer Syndrome. Identifiers: Orphanet 140162, MedGen C0027672, MeSH D009386, MONDO:0015356.
Multiple endocrine neoplasia, type 2 (MEN2). Identifiers: Orphanet 653, MedGen C4048306, MONDO:0019003. Disease mechanism: gain of function.

Allele frequency attached by ClinVar (database versions not stated): gnomAD exomes 0.00001.
gnomAD v4.1: 8 of 1,608,332 alleles (0.0005%); highest among the groups gnomAD compares: Admixed American, 0.0067%; no homozygotes.

Submissions (8):

CeGaT Center for Human Genetics Tuebingen
Classification: Uncertain significance. Last evaluated: 2026-06-01. Review status: criteria provided, single submitter. Criteria: CeGaT Center For Human Genetics Tuebingen Variant Classification Criteria Version 2. Collection method: clinical testing. Allele origin: germline. Affected: yes. Observed: 1 variant allele.
Comment: RET: PM2, PS3:Supporting

Labcorp Genetics (formerly Invitae), Labcorp
Classification: Uncertain significance for Multiple endocrine neoplasia, type 2. Last evaluated: 2025-10-27. Review status: criteria provided, single submitter. Criteria: Invitae Variant Classification Sherloc (09022015). Collection method: clinical testing. Allele origin: germline.
Comment: This sequence change replaces threonine, which is neutral and polar, with methionine, which is neutral and non-polar, at codon 636 of the RET protein (p.Thr636Met). This variant is present in population databases (no rsID available, gnomAD 0.009%). This missense change has been observed in individual(s) with medullary thyroid cancer (PMID: 25725622). ClinVar contains an entry for this variant (Variation ID: 405553). An algorithm developed to predict the effect of missense changes on protein structure and function outputs the following: PolyPhen-2: "Benign". The methionine amino acid residue is found in multiple mammalian species, which suggests that this missense change does not adversely affect protein function. Experimental studies have shown that this missense change affects RET function (PMID: 25725622). In summary, the available evidence is currently insufficient to determine the role of this variant in disease. Therefore, it has been classified as a Variant of Uncertain Significance.

Ambry Genetics
Classification: Uncertain significance for Hereditary cancer-predisposing syndrome. Last evaluated: 2025-02-04. Review status: criteria provided, single submitter. Criteria: Ambry Variant Classification Scheme 2023. Collection method: clinical testing. Allele origin: germline.
Comment: The p.T636M variant (also known as c.1907C>T), located in coding exon 11 of the RET gene, results from a C to T substitution at nucleotide position 1907. The threonine at codon 636 is replaced by methionine, an amino acid with similar properties. Functional assays measuring cell growth and proliferation, contact inhibition, and cell migration showed levels somewhat higher than wild-type, which the authors described as low-grade transforming potential (Silva AL et al. Endocrine. 2015 Jun;49(2):366-72). This amino acid position is well conserved in available vertebrate species. In addition, the in silico prediction for this alteration is inconclusive. Since supporting evidence is limited at this time, the clinical significance of this alteration remains unclear.

Baylor Genetics
Classification: Uncertain significance for Hirschsprung disease, susceptibility to, 1. Last evaluated: 2024-01-14. Review status: criteria provided, single submitter. Criteria: ACMG Guidelines, 2015. Collection method: clinical testing. Allele origin: unknown.

GeneDx
Classification: Uncertain significance. Last evaluated: 2023-07-06. Review status: criteria provided, single submitter. Criteria: GeneDx Variant Classification Process June 2021. Collection method: clinical testing. Allele origin: germline. Affected: yes.
Comment: Not observed at significant frequency in large population cohorts (gnomAD); In silico analysis supports that this missense variant does not alter protein structure/function; Published functional studies suggest a damaging effect: increased cell growth, migration, and proliferation, as well as decreased contact inhibition compared to wildtype; however, these effects were reportedly milder than the p.C634R positive control (PMID: 25725622); This variant is associated with the following publications: (PMID: 14633923, 30755392, 26319365, 30446652, 26678667, 27311873, 25725622, 35264596)

Blueprint Genetics
Classification: Uncertain significance. Last evaluated: 2023-05-03. Review status: criteria provided, single submitter. Criteria: ACMG Guidelines, 2015. Collection method: clinical testing. Allele origin: germline.

PreventionGenetics, part of Exact Sciences
Classification: Uncertain significance for RET-related condition. Last evaluated: 2023-03-15. Review status: criteria provided, single submitter. Criteria: ACMG Guidelines, 2015. Collection method: clinical testing. Allele origin: germline.
Comment: The RET c.1907C>T variant is predicted to result in the amino acid substitution p.Thr636Met. This variant has been reported in an individual with thyroid cancer (Silva et al. 2015. PubMed ID: 25725622). This variant has been reported in a presumed unaffected parent from an exome trio analysis (Table S2, Ji et al. 2019. PubMed ID: 30755392). In vitro experimental studies suggest this variant may impact protein function (Silva et al. 2015. PubMed ID: 25725622). This variant is reported in 3 of ~248,000 alleles in gnomAD and is interpreted as uncertain significance in ClinVar. At this time, the clinical significance of this variant is uncertain due to the absence of conclusive functional and genetic evidence.

Mendelics
Classification: Uncertain significance for Multiple endocrine neoplasia, type 2a. Last evaluated: 2018-07-02. Review status: criteria provided, single submitter. Criteria: Mendelics Assertion Criteria 2017. Collection method: clinical testing. Allele origin: unknown.

Literature cited by the submitters: PubMed 25725622 (cited by Labcorp Genetics (formerly Invitae), Labcorp).

NM_020975.6(RET):c.1907C>T (p.Thr636Met)

Gene: RET (ret proto-oncogene; plus strand). Cytogenetic location: 10q11.21.
Variant type: single nucleotide variant.
Coding change: c.1907C>T on transcript NM_020975.6 (MANE Select); coding-DNA position 1907, C replaced by T.
Protein change: p.Thr636Met; replaces threonine 636 with methionine.
Molecular consequence: missense variant.
Genome position (GRCh38, 1-based): chr10:43,114,507, C>T. VCF-style: chr10-43114507-C-T. GRCh37 (hg19) VCF-style: chr10-43609955-C-T.
Other names: c.1907C>T, p.Thr636Met (NM_000323.2, NM_001406743.1, NM_001406744.1 and 4 more transcripts); c.1145C>T, p.Thr382Met (NM_001355216.2); c.1778C>T, p.Thr593Met (NM_001406761.1, NM_001406762.1, NM_001406764.1); c.1619C>T, p.Thr540Met (NM_001406766.1, NM_001406767.1, NM_001406770.1); c.1511C>T, p.Thr504Met (NM_001406769.1, NM_001406772.1); c.1469C>T, p.Thr490Met (NM_001406771.1, NM_001406773.1); c.1382C>T, p.Thr461Met (NM_001406774.1); c.1181C>T, p.Thr394Met (NM_001406775.1, NM_001406776.1, NM_001406777.1 and 1 more transcripts); and 7 more; short protein forms T636M, T382M, T201M, T241M, T394M, T540M, T297M, T306M.
Identifiers: ClinVar variation 405553 (VCV000405553.25), dbSNP rs1035958105, ClinGen allele CA16612797.